The following is an entry in ClinVar:

ClinVar aggregate classification (germline): Likely benign (1 of 4 stars; one submission).

Allele frequency attached by ClinVar (database versions not stated): 1000 Genomes Project 0.00300; 1000 Genomes Project 30x 0.00406; gnomAD 0.00614; TOPMed 0.00682; ExAC 0.00734; ESP Exome Variant Server 0.00738; gnomAD exomes 0.00750.
gnomAD v4.1: 12,040 of 1,612,418 alleles (0.75%); highest among the groups gnomAD compares: Middle Eastern, 2.4%; 73 homozygotes.

Submission:

CeGaT Center for Human Genetics Tuebingen
Classification: Likely benign. Last evaluated: 2026-09-01. Review status: criteria provided, single submitter. Criteria: CeGaT Center For Human Genetics Tuebingen Variant Classification Criteria Version 2. Collection method: clinical testing. Allele origin: germline. Affected: yes. Observed: 8 variant alleles.
Comment: U2AF2: BP4, BP7, BS2

NM_007279.3(U2AF2):c.1254C>T (p.Pro418=)

Gene: U2AF2 (U2 small nuclear RNA auxiliary factor 2; plus strand). Cytogenetic location: 19q13.42.
Variant type: single nucleotide variant.
Coding change: c.1254C>T on transcript NM_007279.3 (MANE Select); coding-DNA position 1254, C replaced by T.
Protein change: p.Pro418=; no amino-acid change (proline 418 retained).
Molecular consequence: synonymous variant.
Genome position (GRCh38, 1-based): chr19:55,669,653, C>T. VCF-style: chr19-55669653-C-T. GRCh37 (hg19) VCF-style: chr19-56181019-C-T.
Other names: c.1242C>T, p.Pro414= (NM_001012478.2).
Identifiers: ClinVar variation 2650537 (VCV002650537.24), dbSNP rs147666260, ClinGen allele CA9679396.